The following is an entry in ClinVar:

NM_005219.5(DIAPH1):c.2514G>T (p.Lys838Asn)

Gene: DIAPH1 (diaphanous related formin 1; minus strand). Cytogenetic location: 5q31.3.
Variant type: single nucleotide variant.
Coding change: c.2514G>T on transcript NM_005219.5 (MANE Select); coding-DNA position 2514, G replaced by T.
Protein change: p.Lys838Asn; replaces lysine 838 with asparagine.
Molecular consequence: missense variant.
Genome position (GRCh38, 1-based): chr5:141,534,402, C>A on the plus strand (G>T on the coding strand, the complement: DIAPH1 is on the minus strand). VCF-style: chr5-141534402-C-A. GRCh37 (hg19) VCF-style: chr5-140913969-C-A.
Other names: c.2487G>T, p.Lys829Asn (NM_001079812.3); c.2514G>T, p.Lys838Asn (NM_001314007.2); short protein forms K829N, K838N.
Identifiers: ClinVar variation 1471342 (VCV001471342.9), dbSNP rs761209182, ClinGen allele CA3479021.

ClinVar aggregate classification (germline): Uncertain significance (1 of 4 stars; one submission).

Conditions:
Autosomal dominant nonsyndromic hearing loss 1. Also called: DEAFNESS, AUTOSOMAL DOMINANT 1, WITH OR WITHOUT THROMBOCYTOPENIA; KONIGSMARK SYNDROME. Identifiers: Orphanet 90635, MedGen C1852282, MONDO:0007424, OMIM 124900.
Progressive microcephaly-seizures-cortical blindness-developmental delay syndrome. Also called: Seizures, cortical blindness, and microcephaly syndrome. Identifiers: Orphanet 477814, MedGen C5567650, MONDO:0014714, OMIM 616632.

Allele frequency attached by ClinVar (database versions not stated): gnomAD exomes below 0.00001; ExAC 0.00001.
gnomAD v4.1: 1 of 1,613,796 alleles (0.000062%); highest among the groups gnomAD compares: Non-Finnish European, 0.000085%; no homozygotes.

Submission:

Labcorp Genetics (formerly Invitae), Labcorp
Classification: Uncertain significance for Progressive microcephaly-seizures-cortical blindness-developmental delay syndrome; Autosomal dominant nonsyndromic hearing loss 1. Last evaluated: 2022-07-12. Review status: criteria provided, single submitter. Criteria: Invitae Variant Classification Sherloc (09022015). Collection method: clinical testing. Allele origin: germline.
Comment: This sequence change replaces lysine, which is basic and polar, with asparagine, which is neutral and polar, at codon 838 of the DIAPH1 protein (p.Lys838Asn). The frequency data for this variant in the population databases is considered unreliable, as metrics indicate poor data quality at this position in the gnomAD database. This variant has not been reported in the literature in individuals affected with DIAPH1-related conditions. ClinVar contains an entry for this variant (Variation ID: 1471342). Algorithms developed to predict the effect of missense changes on protein structure and function are either unavailable or do not agree on the potential impact of this missense change (SIFT: "Deleterious"; PolyPhen-2: "Possibly Damaging"; Align-GVGD: "Class C0"). In summary, the available evidence is currently insufficient to determine the role of this variant in disease. Therefore, it has been classified as a Variant of Uncertain Significance.